The following is an entry in ClinVar:

ClinVar aggregate classification (germline): Conflicting classifications of pathogenicity. Review status: criteria provided, conflicting classifications (1 of 4 stars). 3 submissions from 3 submitters: Uncertain significance (2); Likely benign (1). Last evaluated 2025-04-02.

Conditions:
Short-rib thoracic dysplasia 10 with or without polydactyly (SRTD10). Identifiers: Orphanet 474, MedGen C3810175, MONDO:0014284, OMIM 615630.
Retinitis pigmentosa 71 (RP71). Identifiers: Orphanet 791, MedGen C4225342, MONDO:0014618, OMIM 616394.

Allele frequency attached by ClinVar (database versions not stated): gnomAD exomes 0.00006; ExAC 0.00004; gnomAD 0.00001.
gnomAD v4.1: 35 of 1,612,984 alleles (0.0022%); highest among the groups gnomAD compares: South Asian, 0.033%; no homozygotes.

Submissions (3):

Labcorp Genetics (formerly Invitae), Labcorp
Classification: Likely benign for Retinitis pigmentosa 71; Short-rib thoracic dysplasia 10 with or without polydactyly. Last evaluated: 2025-04-02. Review status: criteria provided, single submitter. Criteria: Invitae Variant Classification Sherloc (09022015). Collection method: clinical testing. Allele origin: germline.

GeneDx
Classification: Uncertain significance. Last evaluated: 2021-04-27. Review status: criteria provided, single submitter. Criteria: GeneDx Variant Classification Process June 2021. Collection method: clinical testing. Allele origin: germline. Affected: yes.
Comment: In silico analysis supports that this missense variant does not alter protein structure/function; Has not been previously published as pathogenic or benign to our knowledge

Neuberg Centre For Genomic Medicine, NCGM
Classification: Uncertain significance for Short-rib thoracic dysplasia 10 with or without polydactyly. Review status: criteria provided, single submitter. Criteria: ACMG Guidelines, 2015. Collection method: clinical testing. Allele origin: germline. Inheritance: Autosomal recessive inheritance. Affected: yes.
Comment: The missense variant c.2593G>A (p.Val865Met) in IFT172 gene has not been reported previously as a pathogenic variant nor as a benign variant, to our knowledge. This variant has been reported to the ClinVar database as Uncertain Significance. The p.Val865Met variant is novel (not in any individuals) in 1000 Genomes and allele frequency of 0.00559% is reported in gnomAD. The variant is predicted to be damaging by PolyPhen2 and the residue is conserved across species. The amino acid Val at position 865 is changed to a Met changing protein sequence and it might alter its composition and physico-chemical properties. The amino acid change p.Val865Met in IFT172 is predicted as conserved by GERP++ and PhyloP across 100 vertebrates. For these reasons, this variant has been classified as Uncertain Significance .

NM_015662.3(IFT172):c.2593G>A (p.Val865Met)

Genes: IFT172 (intraflagellar transport 172; minus strand), LOC126806174 (CDK7 strongly-dependent group 2 enhancer GRCh37_chr2:27681686-27682885; plus strand). Cytogenetic location: 2p23.3.
Variant type: single nucleotide variant.
Coding change: c.2593G>A on transcript NM_015662.3 (MANE Select); coding-DNA position 2593, G replaced by A.
Protein change: p.Val865Met; replaces valine 865 with methionine.
Molecular consequence: missense variant.
Genome position (GRCh38, 1-based): chr2:27,459,758, C>T on the plus strand (G>A on the coding strand, the complement: IFT172 is on the minus strand). VCF-style: chr2-27459758-C-T. GRCh37 (hg19) VCF-style: chr2-27682625-C-T.
Other names: short protein forms V865M.
Identifiers: ClinVar variation 1212187 (VCV001212187.5), dbSNP rs758674130, ClinGen allele CA1580243.
Genomic context (GRCh38, chr2:27,459,758, plus strand): 5'-TACTCCCATACCTGGCTTCGATGTAGTGATTAATGGCTGCATCAAGCTGCTTCTGCTGCA[C>T]CAGGTGGTCCCCCCATGCCTCCTCTAGTTTCACCACCTCCACTGGGAAGGCCAATCGAGC-3'
Protein context (NP_056477.1, residues 855-875): KLEEAWGDHL[Val865Met]QQKQLDAAIN